The following is an entry in ClinVar:

NM_006031.6(PCNT):c.9980del (p.Lys3327fs)

Gene: PCNT (pericentrin; plus strand). Cytogenetic location: 21q22.3.
Variant type: Deletion.
Coding change: c.9980del on transcript NM_006031.6 (MANE Select); coding-DNA position 9980, one base deleted (A; older notation c.9980delA).
Protein change: p.Lys3327fs; shifts the reading frame from lysine 3327.
Molecular consequence: frameshift variant.
Genome position (GRCh38, 1-based): chr21:46,445,296, A deleted; the last of 3 consecutive A bases (chr21:46,445,294-46,445,296); deleting any one gives the same sequence. VCF-style (leftmost placement, unchanged base first): chr21-46445293-CA-C. GRCh37 (hg19) VCF-style: chr21-47865206-CA-C.
Other names: c.9389del, p.Lys3130fs (NM_001315529.2); short protein forms K3130fs, K3327fs.
Identifiers: ClinVar variation 2117390 (VCV002117390.4), dbSNP rs2519184041, ClinGen allele CA2580099048.

ClinVar aggregate classification (germline): Uncertain significance (1 of 4 stars; one submission).

Submission:

Labcorp Genetics (formerly Invitae), Labcorp
Classification: Uncertain significance. Last evaluated: 2022-03-26. Review status: criteria provided, single submitter. Criteria: Invitae Variant Classification Sherloc (09022015). Collection method: clinical testing. Allele origin: germline.
Comment: This sequence change creates a premature translational stop signal (p.Lys3327Argfs*7) in the PCNT gene. While this is not anticipated to result in nonsense mediated decay, it is expected to disrupt the last 10 amino acid(s) of the PCNT protein. In summary, the available evidence is currently insufficient to determine the role of this variant in disease. Therefore, it has been classified as a Variant of Uncertain Significance. Experimental studies and prediction algorithms are not available or were not evaluated, and the functional significance of this variant is currently unknown. This variant has not been reported in the literature in individuals affected with PCNT-related conditions. This variant is not present in population databases (gnomAD no frequency).